The following is an entry in ClinVar:

NM_020812.4(DOCK6):c.3595G>T (p.Asp1199Tyr)

Genes: DOCK6 (dedicator of cytokinesis 6; minus strand), DOCK6-AS1 (DOCK6 antisense RNA 1; plus strand). Cytogenetic location: 19p13.2.
Variant type: single nucleotide variant.
Coding change: c.3595G>T on transcript NM_020812.4 (MANE Select); coding-DNA position 3595, G replaced by T.
Protein change: p.Asp1199Tyr; replaces aspartic acid 1199 with tyrosine.
Molecular consequence: missense variant.
Genome position (GRCh38, 1-based): chr19:11,217,347, C>A on the plus strand (G>T on the coding strand, the complement: DOCK6 is on the minus strand). VCF-style: chr19-11217347-C-A. GRCh37 (hg19) VCF-style: chr19-11328023-C-A.
Other names: c.3700G>T, p.Asp1234Tyr (NM_001367830.1); c.3595G>T (NM_020812.2); short protein forms D1199Y, D1234Y.
Identifiers: ClinVar variation 1447261 (VCV001447261.6), dbSNP rs752725829, ClinGen allele CA9207194.

ClinVar aggregate classification (germline): Uncertain significance. Review status: criteria provided, multiple submitters, no conflicts (2 of 4 stars). 2 submissions from 2 submitters: Uncertain significance (2). Last evaluated 2026-04-15.

Conditions:
Inborn genetic diseases. Identifiers: MedGen C0950123, MeSH D030342.

Allele frequency attached by ClinVar (database versions not stated): gnomAD exomes 0.00003 and 0.00002; ExAC 0.00004; TOPMed 0.00002.
gnomAD v4.1: 34 of 1,613,584 alleles (0.0021%); highest among the groups gnomAD compares: Middle Eastern, 0.016%; no homozygotes.

Submissions (2):

Ambry Genetics
Classification: Uncertain significance for Inborn genetic diseases. Last evaluated: 2026-04-15. Review status: criteria provided, single submitter. Criteria: Ambry Variant Classification Scheme 2023. Collection method: clinical testing. Allele origin: germline.
Comment: The c.3595G>T (p.D1199Y) alteration is located in exon 29 (coding exon 29) of the DOCK6 gene. This alteration results from a G to T substitution at nucleotide position 3595, causing the aspartic acid (D) at amino acid position 1199 to be replaced by a tyrosine (Y). Based on data from gnomAD, the T allele has an overall frequency of 0.003% (8/247804) total alleles studied. The highest observed frequency was 0.017% (1/6018) of Other alleles. Based on insufficient or conflicting evidence, the clinical significance of this alteration remains unclear.

Labcorp Genetics (formerly Invitae), Labcorp
Classification: Uncertain significance. Last evaluated: 2022-06-28. Review status: criteria provided, single submitter. Criteria: Invitae Variant Classification Sherloc (09022015). Collection method: clinical testing. Allele origin: germline.
Comment: In summary, the available evidence is currently insufficient to determine the role of this variant in disease. Therefore, it has been classified as a Variant of Uncertain Significance. Algorithms developed to predict the effect of missense changes on protein structure and function are either unavailable or do not agree on the potential impact of this missense change (SIFT: "Deleterious"; PolyPhen-2: "Benign"; Align-GVGD: "Class C0"). This variant has not been reported in the literature in individuals affected with DOCK6-related conditions. This variant is present in population databases (rs752725829, gnomAD 0.006%). This sequence change replaces aspartic acid, which is acidic and polar, with tyrosine, which is neutral and polar, at codon 1199 of the DOCK6 protein (p.Asp1199Tyr).